The following is an entry in ClinVar:

ClinVar aggregate classification (germline): Uncertain significance (1 of 4 stars; one submission).

Conditions:
Hereditary cancer-predisposing syndrome. Also called: Neoplastic Syndromes, Hereditary; Tumor predisposition; Hereditary Cancer Syndrome; Hereditary neoplastic syndrome. Identifiers: Orphanet 140162, MedGen C0027672, MeSH D009386, MONDO:0015356.

Submission:

Ambry Genetics
Classification: Uncertain significance for Hereditary cancer-predisposing syndrome. Last evaluated: 2026-04-05. Review status: criteria provided, single submitter. Criteria: Ambry Variant Classification Scheme 2023. Collection method: clinical testing. Allele origin: germline.
Comment: The p.T552I variant (also known as c.1655C>T), located in coding exon 13 of the POT1 gene, results from a C to T substitution at nucleotide position 1655. The threonine at codon 552 is replaced by isoleucine, an amino acid with similar properties. This amino acid position is conserved. In addition, this alteration is predicted to be deleterious by in silico analysis. Based on the available evidence, the clinical significance of this variant remains unclear.

NM_015450.3(POT1):c.1655C>T (p.Thr552Ile)

Gene: POT1 (protection of telomeres 1; minus strand). Cytogenetic location: 7q31.33.
Variant type: single nucleotide variant.
Coding change: c.1655C>T on transcript NM_015450.3 (MANE Select); coding-DNA position 1655, C replaced by T.
Protein change: p.Thr552Ile; replaces threonine 552 with isoleucine.
Molecular consequence: missense variant. On other transcripts: non-coding transcript variant (3).
Genome position (GRCh38, 1-based): chr7:124,827,245, G>A on the plus strand (C>T on the coding strand, the complement: POT1 is on the minus strand). VCF-style: chr7-124827245-G-A. GRCh37 (hg19) VCF-style: chr7-124467299-G-A.
Other names: c.1262C>T, p.Thr421Ile (NM_001042594.2); short protein forms T421I, T552I.
Identifiers: ClinVar variation 4862386 (VCV004862386.1).